The following is an entry in ClinVar:

NM_001256715.2(DNAAF3):c.789+5G>A

Genes: DNAAF3 (dynein axonemal assembly factor 3; minus strand), DNAAF3-AS1 (DNAAF3 antisense RNA 1; plus strand). Cytogenetic location: 19q13.42.
Variant type: single nucleotide variant.
Coding change: c.789+5G>A on transcript NM_001256715.2 (MANE Select); 5 bases into the intron after coding-DNA position 789, G replaced by A.
Molecular consequence: intron variant.
Genome position (GRCh38, 1-based): chr19:55,161,288, C>T on the plus strand (G>A on the coding strand, the complement: DNAAF3 is on the minus strand). VCF-style: chr19-55161288-C-T. GRCh37 (hg19) VCF-style: chr19-55672656-C-T.
Other names: c.930+5G>A (NM_178837.4); c.993+5G>A (NM_001256714.1); c.627+5G>A (NM_001256716.2).
Identifiers: ClinVar variation 2073855 (VCV002073855.2), dbSNP rs376485677, ClinGen allele CA9668067.
Genomic context (GRCh38, chr19:55,161,288, plus strand): 5'-TGGGGCCCCTGACTCCTAGGACTCCGAGCAGCAGCAGTGGGCCAGGACAGGCAGTGGACA[C>T]GCACGTAGCTCAGGAGGCGACCGGACGCCAGGGTCCGGTTGGGCACATGATAGGCGCTGG-3'

ClinVar aggregate classification (germline): Uncertain significance (1 of 4 stars; one submission).

Conditions:
Primary ciliary dyskinesia. Also called: Ciliary dyskinesia. Identifiers: Orphanet 244, MedGen C0008780, MONDO:0016575, HP:0012265.

Allele frequency attached by ClinVar (database versions not stated): gnomAD 0.00007; ESP Exome Variant Server 0.00008.
gnomAD v4.1: 111 of 1,608,386 alleles (0.0069%); highest among the groups gnomAD compares: Middle Eastern, 0.017%; no homozygotes.

Submission:

Labcorp Genetics (formerly Invitae), Labcorp
Classification: Uncertain significance for Primary ciliary dyskinesia. Last evaluated: 2024-12-09. Review status: criteria provided, single submitter. Criteria: Invitae Variant Classification Sherloc (09022015). Collection method: clinical testing. Allele origin: germline.
Comment: This sequence change falls in intron 7 of the DNAAF3 gene. It does not directly change the encoded amino acid sequence of the DNAAF3 protein. It affects a nucleotide within the consensus splice site. This variant is present in population databases (rs376485677, gnomAD 0.005%). This variant has not been reported in the literature in individuals affected with DNAAF3-related conditions. ClinVar contains an entry for this variant (Variation ID: 2073855). Variants that disrupt the consensus splice site are a relatively common cause of aberrant splicing (PMID: 17576681, 9536098). Algorithms developed to predict the effect of sequence changes on RNA splicing suggest that this variant may disrupt the consensus splice site. In summary, the available evidence is currently insufficient to determine the role of this variant in disease. Therefore, it has been classified as a Variant of Uncertain Significance.

Literature cited by the submitters: PubMed 17576681; PubMed 9536098.